The following is an entry in ClinVar:

ClinVar aggregate classification (germline): Uncertain significance (1 of 4 stars; one submission).

Allele frequency attached by ClinVar (database versions not stated): ExAC 0.00001; gnomAD exomes 0.00001; TOPMed 0.00002.
gnomAD v4.1: 14 of 1,611,230 alleles (0.00087%); highest among the groups gnomAD compares: Non-Finnish European, 0.0012%; no homozygotes.

Submission:

Labcorp Genetics (formerly Invitae), Labcorp
Classification: Uncertain significance. Last evaluated: 2024-04-17. Review status: criteria provided, single submitter. Criteria: Invitae Variant Classification Sherloc (09022015). Collection method: clinical testing. Allele origin: germline.
Comment: This sequence change replaces asparagine, which is neutral and polar, with lysine, which is basic and polar, at codon 496 of the ASXL1 protein (p.Asn496Lys). This variant is present in population databases (rs769017790, gnomAD 0.007%). This variant has not been reported in the literature in individuals affected with ASXL1-related conditions. An algorithm developed to predict the effect of missense changes on protein structure and function (PolyPhen-2) suggests that this variant is likely to be tolerated. In summary, the available evidence is currently insufficient to determine the role of this variant in disease. Therefore, it has been classified as a Variant of Uncertain Significance.

NM_015338.6(ASXL1):c.1488C>G (p.Asn496Lys)

Gene: ASXL1 (ASXL transcriptional regulator 1; plus strand). Cytogenetic location: 20q11.21.
Variant type: single nucleotide variant.
Coding change: c.1488C>G on transcript NM_015338.6 (MANE Select); coding-DNA position 1488, C replaced by G.
Protein change: p.Asn496Lys; replaces asparagine 496 with lysine.
Molecular consequence: missense variant.
Genome position (GRCh38, 1-based): chr20:32,433,686, C>G. VCF-style: chr20-32433686-C-G. GRCh37 (hg19) VCF-style: chr20-31021489-C-G.
Other names: c.1305C>G, p.Asn435Lys (NM_001363734.1); short protein forms N496K, N435K.
Identifiers: ClinVar variation 3621006 (VCV003621006.2), dbSNP rs769017790.